The following is an entry in ClinVar:

NM_000071.3(CBS):c.1223+16C>G

Gene: CBS (cystathionine beta-synthase; minus strand). Cytogenetic location: 21q22.3.
Variant type: single nucleotide variant.
Coding change: c.1223+16C>G on transcript NM_000071.3 (MANE Select); 16 bases into the intron after coding-DNA position 1223, C replaced by G.
Molecular consequence: intron variant.
Genome position (GRCh38, 1-based): chr21:43,059,210, G>C on the plus strand (C>G on the coding strand, the complement: CBS is on the minus strand). VCF-style: chr21-43059210-G-C. GRCh37 (hg19) VCF-style: chr21-44479320-G-C.
Other names: c.1223+16C>G (NM_001320298.2, NM_001178009.3, NM_001178008.3); c.908+16C>G (NM_001321072.1).
Identifiers: ClinVar variation 387396 (VCV000387396.1), dbSNP rs748900028, ClinGen allele CA16608079.

ClinVar aggregate classification (germline): Likely benign (1 of 4 stars; one submission).

Submission:

GeneDx
Classification: Likely benign. Last evaluated: 2016-07-12. Review status: criteria provided, single submitter. Criteria: GeneDx Variant Classification (06012015). Collection method: clinical testing. Allele origin: germline. Affected: yes.
Comment: This variant is considered likely benign or benign based on one or more of the following criteria: it is a conservative change, it occurs at a poorly conserved position in the protein, it is predicted to be benign by multiple in silico algorithms, and/or has population frequency not consistent with disease.